The following is an entry in ClinVar:

NM_007078.3(LDB3):c.1253C>T (p.Pro418Leu)

Gene: LDB3 (LIM domain binding 3; plus strand). Cytogenetic location: 10q23.2.
Variant type: single nucleotide variant.
Coding change: c.1253C>T on transcript NM_007078.3 (MANE Select); coding-DNA position 1253, C replaced by T.
Protein change: p.Pro418Leu; replaces proline 418 with leucine.
Molecular consequence: missense variant.
Genome position (GRCh38, 1-based): chr10:86,716,348, C>T. VCF-style: chr10-86716348-C-T. GRCh37 (hg19) VCF-style: chr10-88476105-C-T.
Other names: c.1253C>T (LRG_385t1); c.923C>T, p.Pro308Leu (NM_001080114.2); c.1268C>T, p.Pro423Leu (NM_001171610.2); c.1064C>T, p.Pro355Leu (NM_001368064.1, NM_001368065.1); c.1112C>T, p.Pro371Leu (NM_001368066.1); short protein forms P418L, P308L, P355L, P371L, P423L.
Identifiers: ClinVar variation 518695 (VCV000518695.14), dbSNP rs141870580, ClinGen allele CA5585106.

ClinVar aggregate classification (germline): Uncertain significance. Review status: criteria provided, multiple submitters, no conflicts (2 of 4 stars). 3 submissions from 3 submitters: Uncertain significance (3). Last evaluated 2026-01-26.

Conditions:
Myofibrillar myopathy 4. Also called: Zaspopathy (type). Identifiers: Orphanet 98912, MedGen C4721886, MONDO:0012277, OMIM 609452.
Cardiovascular phenotype. Identifiers: MedGen CN230736.

Allele frequency attached by ClinVar (database versions not stated): TOPMed 0.00002.

Submissions (3):

Labcorp Genetics (formerly Invitae), Labcorp
Classification: Uncertain significance for Myofibrillar myopathy 4. Last evaluated: 2026-01-26. Review status: criteria provided, single submitter. Criteria: Invitae Variant Classification Sherloc (09022015). Collection method: clinical testing. Allele origin: germline.
Comment: The LDB3 gene has multiple clinically relevant transcripts. This variant occurs in alternate transcript NM_007078.3, and corresponds to NM_001080116.1:c.*16974C>T in the primary transcript. This sequence change replaces proline, which is neutral and non-polar, with leucine, which is neutral and non-polar, at codon 418 of the LDB3 protein (p.Pro418Leu). This variant is present in population databases (rs141870580, gnomAD 0.02%). This variant has not been reported in the literature in individuals affected with LDB3-related conditions. Experimental studies and prediction algorithms are not available or were not evaluated, and the functional significance of this variant is currently unknown. In summary, the available evidence is currently insufficient to determine the role of this variant in disease. Therefore, it has been classified as a Variant of Uncertain Significance.

GeneDx
Classification: Uncertain significance. Last evaluated: 2024-04-03. Review status: criteria provided, single submitter. Criteria: GeneDx Variant Classification Process June 2021. Collection method: clinical testing. Allele origin: germline. Affected: yes.
Comment: In silico analysis supports a deleterious effect on protein structure/function; Has not been previously published as pathogenic or benign to our knowledge; Reported using an alternate transcript of the gene

Ambry Genetics
Classification: Uncertain significance for Cardiovascular phenotype. Last evaluated: 2023-03-27. Review status: criteria provided, single submitter. Criteria: Ambry Variant Classification Scheme 2023. Collection method: clinical testing. Allele origin: germline.
Comment: The p.P418L variant (also known as c.1253C>T), located in coding exon 9 of the LDB3 gene, results from a C to T substitution at nucleotide position 1253. The proline at codon 418 is replaced by leucine, an amino acid with similar properties. This amino acid position is highly conserved in available vertebrate species. In addition, this alteration is predicted to be tolerated by in silico analysis. Since supporting evidence is limited at this time, the clinical significance of this alteration remains unclear.